The following is an entry in ClinVar:

ClinVar aggregate classification (germline): Uncertain significance (1 of 4 stars; one submission).

gnomAD v4.1: 7 of 1,614,142 alleles (0.00043%); highest among the groups gnomAD compares: Admixed American, 0.0067%; no homozygotes.

Submission:

Labcorp Genetics (formerly Invitae), Labcorp
Classification: Uncertain significance. Last evaluated: 2025-10-31. Review status: criteria provided, single submitter. Criteria: Invitae Variant Classification Sherloc (09022015). Collection method: clinical testing. Allele origin: germline.
Comment: This sequence change replaces proline, which is neutral and non-polar, with threonine, which is neutral and polar, at codon 328 of the HNF1B protein (p.Pro328Thr). This variant is not present in population databases (gnomAD no frequency). This variant has not been reported in the literature in individuals affected with HNF1B-related conditions. ClinVar contains an entry for this variant (Variation ID: 1362433). Invitae Evidence Modeling of protein sequence and biophysical properties (such as structural, functional, and spatial information, amino acid conservation, physicochemical variation, residue mobility, and thermodynamic stability) indicates that this missense variant is not expected to disrupt HNF1B protein function with a negative predictive value of 80%. In summary, the available evidence is currently insufficient to determine the role of this variant in disease. Therefore, it has been classified as a Variant of Uncertain Significance.

NM_000458.4(HNF1B):c.982C>A (p.Pro328Thr)

Gene: HNF1B (HNF1 homeobox B; minus strand). Cytogenetic location: 17q12.
Variant type: single nucleotide variant.
Coding change: c.982C>A on transcript NM_000458.4 (MANE Select); coding-DNA position 982, C replaced by A.
Protein change: p.Pro328Thr; replaces proline 328 with threonine.
Molecular consequence: missense variant.
Genome position (GRCh38, 1-based): chr17:37,731,658, G>T on the plus strand (C>A on the coding strand, the complement: HNF1B is on the minus strand). VCF-style: chr17-37731658-G-T. GRCh37 (hg19) VCF-style: chr17-36091649-G-T.
Other names: c.904C>A, p.Pro302Thr (NM_001165923.4, NM_001304286.2); short protein forms P328T, P302T.
Identifiers: ClinVar variation 1362433 (VCV001362433.6), dbSNP rs986828416, ClinGen allele CA398746340.